The following is an entry in ClinVar:

ClinVar aggregate classification (germline): Uncertain significance. Review status: criteria provided, multiple submitters, no conflicts (2 of 4 stars). 2 submissions from 2 submitters: Uncertain significance (2). Last evaluated 2022-11-04.

Conditions:
Microcephaly, normal intelligence and immunodeficiency (NBS). Also called: BERLIN BREAKAGE SYNDROME; Ataxia telangiectasia variant V1; IMMUNODEFICIENCY, MICROCEPHALY, AND CHROMOSOMAL INSTABILITY; SEEMANOVA SYNDROME II; Immunodeficiency, microcephaly with normal intelligence; Nijmegen breakage syndrome. Identifiers: Orphanet 647, MedGen C0398791, MONDO:0009623, OMIM 251260.
Hereditary cancer-predisposing syndrome. Also called: Tumor predisposition; Neoplastic Syndromes, Hereditary; Hereditary Cancer Syndrome; Hereditary neoplastic syndrome. Identifiers: Orphanet 140162, MedGen C0027672, MeSH D009386, MONDO:0015356.

Allele frequency attached by ClinVar (database versions not stated): TOPMed below 0.00001.
gnomAD v4.1: 1 of 1,613,904 alleles (0.000062%); no homozygotes.

Submissions (2):

Labcorp Genetics (formerly Invitae), Labcorp
Classification: Uncertain significance for Microcephaly, normal intelligence and immunodeficiency. Last evaluated: 2022-11-04. Review status: criteria provided, single submitter. Criteria: Invitae Variant Classification Sherloc (09022015). Collection method: clinical testing. Allele origin: germline.
Comment: This variant has not been reported in the literature in individuals affected with NBN-related conditions. This variant is not present in population databases (gnomAD no frequency). This sequence change replaces arginine, which is basic and polar, with serine, which is neutral and polar, at codon 425 of the NBN protein (p.Arg425Ser). ClinVar contains an entry for this variant (Variation ID: 627915). In summary, the available evidence is currently insufficient to determine the role of this variant in disease. Therefore, it has been classified as a Variant of Uncertain Significance. Algorithms developed to predict the effect of missense changes on protein structure and function (SIFT, PolyPhen-2, Align-GVGD) all suggest that this variant is likely to be tolerated.

Ambry Genetics
Classification: Uncertain significance for Hereditary cancer-predisposing syndrome. Last evaluated: 2020-03-19. Review status: criteria provided, single submitter. Criteria: Ambry Variant Classification Scheme 2023. Collection method: clinical testing. Allele origin: germline.
Comment: The p.R425S variant (also known as c.1275A>T), located in coding exon 10 of the NBN gene, results from an A to T substitution at nucleotide position 1275. The arginine at codon 425 is replaced by serine, an amino acid with dissimilar properties. This amino acid position is poorly conserved in available vertebrate species. In addition, this alteration is predicted to be tolerated by in silico analysis. Since supporting evidence is limited at this time, the clinical significance of this alteration remains unclear.

NM_002485.5(NBN):c.1275A>T (p.Arg425Ser)

Gene: NBN (nibrin; minus strand). Cytogenetic location: 8q21.3.
Variant type: single nucleotide variant.
Coding change: c.1275A>T on transcript NM_002485.5 (MANE Select); coding-DNA position 1275, A replaced by T.
Protein change: p.Arg425Ser; replaces arginine 425 with serine.
Molecular consequence: missense variant.
Genome position (GRCh38, 1-based): chr8:89,955,405, T>A on the plus strand (A>T on the coding strand, the complement: NBN is on the minus strand). VCF-style: chr8-89955405-T-A. GRCh37 (hg19) VCF-style: chr8-90967633-T-A.
Other names: c.1029A>T, p.Arg343Ser (NM_001024688.3); short protein forms R425S, R343S.
Identifiers: ClinVar variation 627915 (VCV000627915.11), dbSNP rs916556331, ClinGen allele CA181260496.